The following is an entry in ClinVar:

ClinVar aggregate classification (germline): Conflicting classifications of pathogenicity. Review status: criteria provided, conflicting classifications (1 of 4 stars). 2 submissions from 2 submitters: Uncertain significance (1); Likely benign (1). Last evaluated 2024-10-04.

Allele frequency attached by ClinVar (database versions not stated): TOPMed 0.00003; gnomAD exomes 0.00001; ExAC 0.00002; gnomAD 0.00002.
gnomAD v4.1: 14 of 1,209,936 alleles (0.0012%); highest among the groups gnomAD compares: African/African-American, 0.0018%; no homozygotes.

Submissions (2):

Ambry Genetics
Classification: Uncertain significance. Last evaluated: 2024-10-04. Review status: criteria provided, single submitter. Criteria: Ambry Variant Classification Scheme 2023. Collection method: clinical testing. Allele origin: germline.

CeGaT Center for Human Genetics Tuebingen
Classification: Likely benign. Last evaluated: 2022-07-01. Review status: criteria provided, single submitter. Criteria: CeGaT Center For Human Genetics Tuebingen Variant Classification Criteria Version 2. Collection method: clinical testing. Allele origin: germline. Affected: yes. Observed: 1 variant allele.
Comment: LAS1L: BP4

NM_031206.7(LAS1L):c.665T>A (p.Ile222Asn)

Gene: LAS1L (LAS1 like ribosome biogenesis factor; minus strand). Cytogenetic location: Xq12.
Variant type: single nucleotide variant.
Coding change: c.665T>A on transcript NM_031206.7 (MANE Select); coding-DNA position 665, T replaced by A.
Protein change: p.Ile222Asn; replaces isoleucine 222 with asparagine.
Molecular consequence: missense variant. On other transcripts: 5 prime UTR variant (1), non-coding transcript variant (1).
Genome position (GRCh38, 1-based): chrX:65,529,728, A>T on the plus strand (T>A on the coding strand, the complement: LAS1L is on the minus strand). VCF-style: chrX-65529728-A-T. GRCh37 (hg19) VCF-style: chrX-64749608-A-T.
Other names: c.665T>A (NM_031206.4); c.665T>A, p.Ile222Asn (NM_001170649.2, NM_001375328.1, NM_001375329.1 and 8 more transcripts); c.539T>A, p.Ile180Asn (NM_001170650.2); c.-132T>A (NM_001375332.1); short protein forms I180N, I222N.
Identifiers: ClinVar variation 2660759 (VCV002660759.25), dbSNP rs769389600, ClinGen allele CA10434049.